The following is an entry in ClinVar:

ClinVar aggregate classification (germline): Uncertain significance (1 of 4 stars; one submission).

Conditions:
Thrombophilia due to protein S deficiency, autosomal recessive (THPH6). Identifiers: Orphanet 743, MedGen C3281092, MONDO:0013791, OMIM 614514. Disease mechanism: loss of function.

Submission:

Labcorp Genetics (formerly Invitae), Labcorp
Classification: Uncertain significance for Thrombophilia due to protein S deficiency, autosomal recessive. Last evaluated: 2024-03-17. Review status: criteria provided, single submitter. Criteria: Invitae Variant Classification Sherloc (09022015). Collection method: clinical testing. Allele origin: germline.
Comment: This sequence change replaces proline, which is neutral and non-polar, with leucine, which is neutral and non-polar, at codon 516 of the PROS1 protein (p.Pro516Leu). This variant is not present in population databases (gnomAD no frequency). This missense change has been observed in individual(s) with protein S deficiency (PMID: 26466767). Advanced modeling of protein sequence and biophysical properties (such as structural, functional, and spatial information, amino acid conservation, physicochemical variation, residue mobility, and thermodynamic stability) has been performed at Invitae for this missense variant, however the output from this modeling did not meet the statistical confidence thresholds required to predict the impact of this variant on PROS1 protein function. In summary, the available evidence is currently insufficient to determine the role of this variant in disease. Therefore, it has been classified as a Variant of Uncertain Significance.

Literature cited by the submitters: PubMed 26466767.

NM_000313.4(PROS1):c.1547C>T (p.Pro516Leu)

Gene: PROS1 (protein S; minus strand). Cytogenetic location: 3q11.1.
Variant type: single nucleotide variant.
Coding change: c.1547C>T on transcript NM_000313.4 (MANE Select); coding-DNA position 1547, C replaced by T.
Protein change: p.Pro516Leu; replaces proline 516 with leucine.
Molecular consequence: missense variant.
Genome position (GRCh38, 1-based): chr3:93,879,260, G>A on the plus strand (C>T on the coding strand, the complement: PROS1 is on the minus strand). VCF-style: chr3-93879260-G-A. GRCh37 (hg19) VCF-style: chr3-93598104-G-A.
Other names: c.1643C>T, p.Pro548Leu (NM_001314077.2); short protein forms P516L, P548L.
Identifiers: ClinVar variation 3720522 (VCV003720522.2).
Genomic context (GRCh38, chr3:93,879,260, plus strand): 5'-GCAAAGGGCACTGTGTTGTTACCAGAAACCAAGGCAAGCATAACACCAGTGCCCGTGGAT[G>A]GACGAATATTCAAGGTCACATTTACATGCCAACCCTCAGCACTGGATACATTATCTATTT-3'
Protein context (NP_000304.2, residues 506-526): WHVNVTLNIR[Pro516Leu]STGTGVMLAL